The following is an entry in ClinVar:

ClinVar aggregate classification (germline): Pathogenic/Likely pathogenic. Review status: criteria provided, multiple submitters, no conflicts (2 of 4 stars). 3 submissions from 3 submitters: Pathogenic (1); Likely pathogenic (2). Last evaluated 2026-09-08.

Conditions:
Cardiovascular phenotype. Identifiers: MedGen CN230736.
Fabry disease. Also called: GLA DEFICIENCY; Fabry's disease; ALPHA-GALACTOSIDASE A DEFICIENCY; ANDERSON-FABRY DISEASE; CERAMIDE TRIHEXOSIDASE DEFICIENCY; Ceramide trihexosidosis. Identifiers: Orphanet 324, MedGen C0002986, MONDO:0010526, OMIM 301500, HP:0001071. Disease mechanism: Fabry disease is due to inactivating mutations in the X-linked GLA gene resulting in deficiency of the enzyme Alpha Galactosidase-A., loss of function.

Allele frequency attached by ClinVar (database versions not stated): TOPMed 0.00001.

Submissions (3):

Genomenon, Inc
Classification: Pathogenic for Fabry disease. Last evaluated: 2026-09-08. Review status: criteria provided, single submitter. Criteria: Genomenon Sequence Variant Interpretation Standards - Updated. Collection method: curation. Allele origin: germline. Affected: yes.
Comment: GLA c.802-2A>T is a canonical splice variant affecting the acceptor splice site of intron 5. It is predicted to affect mRNA splicing, leading to a deleterious effect on the GLA protein. This variant has been observed in at least one proband with clinical features consistent with Fabry disease (PMID:16148726;30834538). Functional or patient cell studies have been reported (PMID:30834538;37634127). It is absent or not present at a significant frequency in gnomAD. In conclusion, we classify GLA c.802-2A>T as a pathogenic variant.

Ambry Genetics
Classification: Likely pathogenic for Cardiovascular phenotype. Last evaluated: 2025-01-16. Review status: criteria provided, single submitter. Criteria: Ambry Variant Classification Scheme 2023. Collection method: clinical testing. Allele origin: germline.
Comment: The c.802-2A>T intronic variant results from an A to T substitution two nucleotides before coding exon 6 of the GLA gene. Alterations that disrupt the canonical splice site are expected to result in aberrant splicing. A resulting transcript is predicted to be in-frame and is not expected to trigger nonsense-mediated mRNAdecay, although direct evidence is unavailable. However, the region predicted to be impacted is critical for protein function (Ambry internal data). This variant was not reported in population-based cohorts in the Genome Aggregation Database (gnomAD). This variant was reported in individual(s) with features consistent with Fabry disease (Schiffman, 2019). Other variant(s) impacting the same acceptor site (c.802-3_802-2delCA) have been identified in individual(s) with features consistent with Fabry disease (Uribe, 2015). This nucleotide position is highly conserved in available vertebrate species. In silico splice site analysis predicts that this alteration will weaken the native splice acceptor site and may result in the creation or strengthening of a novel splice acceptor site. Based on the available evidence, this alteration is classified as likely pathogenic.

Women's Health and Genetics/Laboratory Corporation of America, LabCorp
Classification: Likely pathogenic for Fabry disease. Last evaluated: 2017-05-25. Review status: criteria provided, single submitter. Criteria: LabCorp Variant Classification Summary - May 2015. Collection method: clinical testing. Allele origin: germline.
Comment: Variant summary: The GLA c.802-2A>T variant involves the alteration of a conserved intronic nucleotide. One in silico tool predicts a damaging outcome for this variant. 5/5 splice prediction tools predict the variant to activate a cryptic splice donor site while ESE finder predicts the loss of SRp40 and SF2/ASF binding motifs. However, these predictions have yet to be confirmed by functional studies. The variant of interest has not been found in a large, broad control population, ExAC in 87124 control chromosomes. The variant of interest has not, to our knowledge, been reported in affected individuals via publications and/or reputable databases/clinical diagnostic laboratories. Another alteration of the same nucleotide, c.802-2A>G has been reported as Pathogenic for Fabry Disease. Taken together, this variant is classified as likely pathogenic.

Literature cited by the submitters: PubMed 16148726 (cited by Genomenon, Inc); PubMed 30834538 (cited by Genomenon, Inc and Ambry Genetics); PubMed 37634127 (cited by Genomenon, Inc); PubMed 26297554 (cited by Ambry Genetics).

NM_000169.3(GLA):c.802-2A>T

Genes: GLA (galactosidase alpha; minus strand), RPL36A-HNRNPH2 (RPL36A-HNRNPH2 readthrough; plus strand). Cytogenetic location: Xq22.1.
Variant type: single nucleotide variant.
Coding change: c.802-2A>T on transcript NM_000169.3 (MANE Select); the canonical splice acceptor site of the intron before coding-DNA position 802, A replaced by T.
Molecular consequence: splice acceptor variant. On other transcripts: intron variant (2).
Genome position (GRCh38, 1-based): chrX:101,398,569, T>A on the plus strand (A>T on the coding strand, the complement: GLA is on the minus strand). VCF-style: chrX-101398569-T-A. GRCh37 (hg19) VCF-style: chrX-100653557-T-A.
Other names: c.300+3112T>A (NM_001199973.2); c.177+6747T>A (NM_001199974.2); c.925-2A>T (NM_001406747.1); c.802-2A>T (NM_001406748.1).
Identifiers: ClinVar variation 495696 (VCV000495696.4), dbSNP rs797044499, ClinGen allele CA413923565.